The following is an entry in ClinVar:

ClinVar aggregate classification (germline): Uncertain significance. Review status: criteria provided, multiple submitters, no conflicts (2 of 4 stars). 3 submissions from 3 submitters: Uncertain significance (3). Last evaluated 2023-07-12.

Conditions:
Inborn genetic diseases. Identifiers: MedGen C0950123, MeSH D030342.
Compton-North congenital myopathy (CMYO12). Identifiers: Orphanet 210163, MedGen C2675527, MONDO:0012929, OMIM 612540.

Allele frequency attached by ClinVar (database versions not stated): gnomAD exomes below 0.00001 and 0.00002; ExAC 0.00001; gnomAD 0.00001.
gnomAD v4.1: 13 of 1,613,764 alleles (0.00081%); highest among the groups gnomAD compares: Admixed American, 0.0017%; no homozygotes.

Submissions (3):

Ambry Genetics
Classification: Uncertain significance for Inborn genetic diseases. Last evaluated: 2023-07-12. Review status: criteria provided, single submitter. Criteria: Ambry Variant Classification Scheme 2023. Collection method: clinical testing. Allele origin: germline.

Labcorp Genetics (formerly Invitae), Labcorp
Classification: Uncertain significance for Compton-North congenital myopathy. Last evaluated: 2022-11-01. Review status: criteria provided, single submitter. Criteria: Invitae Variant Classification Sherloc (09022015). Collection method: clinical testing. Allele origin: germline.
Comment: This sequence change replaces glycine, which is neutral and non-polar, with aspartic acid, which is acidic and polar, at codon 605 of the CNTN1 protein (p.Gly605Asp). This variant is present in population databases (rs767086250, gnomAD no frequency). This variant has not been reported in the literature in individuals affected with CNTN1-related conditions. ClinVar contains an entry for this variant (Variation ID: 434797). Advanced modeling of protein sequence and biophysical properties (such as structural, functional, and spatial information, amino acid conservation, physicochemical variation, residue mobility, and thermodynamic stability) performed at Invitae indicates that this missense variant is not expected to disrupt CNTN1 protein function. In summary, the available evidence is currently insufficient to determine the role of this variant in disease. Therefore, it has been classified as a Variant of Uncertain Significance.

Genetic Services Laboratory, University of Chicago
Classification: Uncertain significance. Last evaluated: 2017-05-03. Review status: criteria provided, single submitter. Criteria: ACMG Guidelines, 2015. Collection method: clinical testing. Allele origin: germline. Affected: no.

NM_001843.4(CNTN1):c.1814G>A (p.Gly605Asp)

Gene: CNTN1 (contactin 1; plus strand). Cytogenetic location: 12q12.
Variant type: single nucleotide variant.
Coding change: c.1814G>A on transcript NM_001843.4 (MANE Select); coding-DNA position 1814, G replaced by A.
Protein change: p.Gly605Asp; replaces glycine 605 with aspartic acid.
Molecular consequence: missense variant.
Genome position (GRCh38, 1-based): chr12:40,980,918, G>A. VCF-style: chr12-40980918-G-A. GRCh37 (hg19) VCF-style: chr12-41374720-G-A.
Other names: c.1781G>A, p.Gly594Asp (NM_175038.2); short protein forms G605D, G594D.
Identifiers: ClinVar variation 434797 (VCV000434797.13), dbSNP rs767086250, ClinGen allele CA6516993.